The following is an entry in ClinVar:

NM_000535.7(PMS2):c.595C>T (p.Arg199Cys)

Gene: PMS2 (PMS1 homolog 2, mismatch repair system component; minus strand). Cytogenetic location: 7p22.1.
Variant type: single nucleotide variant.
Coding change: c.595C>T on transcript NM_000535.7 (MANE Select); coding-DNA position 595, C replaced by T.
Protein change: p.Arg199Cys; replaces arginine 199 with cysteine.
Molecular consequence: missense variant. On other transcripts: 5 prime UTR variant (2), non-coding transcript variant (1), intron variant (1).
Genome position (GRCh38, 1-based): chr7:5,999,218, G>A on the plus strand (C>T on the coding strand, the complement: PMS2 is on the minus strand). VCF-style: chr7-5999218-G-A. GRCh37 (hg19) VCF-style: chr7-6038849-G-A.
Other names: c.190C>T, p.Arg64Cys (NM_001322003.2, NM_001322004.2, NM_001322005.2 and 2 more transcripts); c.595C>T, p.Arg199Cys (NM_001322006.2, NM_001322014.2); c.277C>T, p.Arg93Cys (NM_001322007.2, NM_001322008.2); c.-339C>T (NM_001322011.2, NM_001322012.2); c.286C>T, p.Arg96Cys (NM_001322015.2); c.133-1795C>T (NM_001322013.2); short protein forms R199C, R64C, R96C, R93C.
Identifiers: ClinVar variation 187514 (VCV000187514.92), dbSNP rs372297364, ClinGen allele CA012356.
Genomic context (GRCh38, chr7:5,999,218, plus strand): 5'-CACCTGTGCATACCACAGGCTGTCGTTTTCCTTGTCCAAGCTGATTGGTGCAACTTACAC[G>A]GATGCCTGCTGAAATGATACAGTATGCATGTAAGACCTGGACCATTTTGGCATACTCCTG-3'
Protein context (NP_000526.2, residues 189-209): HAYCIISAGI[Arg199Cys]VSCTNQLGQG

ClinVar aggregate classification (germline): Conflicting classifications of pathogenicity. Review status: criteria provided, conflicting classifications (1 of 4 stars). 18 submissions from 18 submitters: Uncertain significance (14); Likely benign (2). 2 of the submissions do not count toward it. Last evaluated 2026-02-09.

Conditions:
PMS2-related disorder. Also called: PMS2-related condition.
Lynch syndrome 4 (LYNCH4). Also called: Hereditary non-polyposis colorectal cancer, type 4; Colorectal cancer, hereditary nonpolyposis, type 4. Identifiers: Orphanet 144, MedGen C1838333, MONDO:0013699, OMIM 614337. Disease mechanism: loss of function.
Mismatch repair cancer syndrome 4. Identifiers: MedGen C5436817, MONDO:0030843, OMIM 619101.
Hereditary nonpolyposis colorectal neoplasms. Identifiers: MedGen C0009405, MeSH D003123.
Hereditary cancer-predisposing syndrome. Also called: Tumor predisposition; Neoplastic Syndromes, Hereditary; Hereditary Cancer Syndrome; Hereditary neoplastic syndrome. Identifiers: Orphanet 140162, MedGen C0027672, MeSH D009386, MONDO:0015356.
Lynch syndrome. Identifiers: Orphanet 144, MedGen C4552100, MONDO:0005835. Disease mechanism: loss of function.

Allele frequency attached by ClinVar (database versions not stated): ExAC 0.00002; gnomAD exomes 0.00002 and 0.00003; ESP Exome Variant Server 0.00008; gnomAD 0.00011 and 0.00012; TOPMed 0.00020.
gnomAD v4.1: 49 of 1,613,616 alleles (0.003%); highest among the groups gnomAD compares: Admixed American, 0.032%; 1 homozygote.

Submissions 1 to 9 of 18:

PreventionGenetics, part of Exact Sciences
Classification: Uncertain significance for PMS2-related condition. Last evaluated: 2026-02-09. Review status: criteria provided, single submitter. Criteria: ACMG Guidelines, 2015. Collection method: clinical testing. Allele origin: germline.
Comment: The PMS2 c.595C>T variant is predicted to result in the amino acid substitution p.Arg199Cys. This variant has been reported in a cohort of individuals with suspected Lynch syndrome (Supplemental Table 2, Yurgelun et al. 2015. PubMed ID: 25980754) and individuals with breast cancer (Supplemental Table, Tung et al. 2015. PubMed ID: 25186627; Reported as chr7_6038849_G_A in Supplementary Tables, Breast Cancer Association et al. 2021. PubMed ID: 33471991). However, its pathogenicity was not determined with further studies (e.g. segregation, functional assays). This variant has a subpopulation frequency of up to 0.016% in the gnomAD database, including one homozygote, and it has conflicting interpretations of clinical significance ranging from uncertain significance to likely benign in ClinVar (Variation ID: 187514). Although we suspect that this variant may be benign, at this time, the clinical significance of this variant is uncertain due to the absence of conclusive functional and genetic evidence.

Labcorp Genetics (formerly Invitae), Labcorp
Classification: Likely benign for Hereditary nonpolyposis colorectal neoplasms. Last evaluated: 2026-01-20. Review status: criteria provided, single submitter. Criteria: Invitae Variant Classification Sherloc (09022015). Collection method: clinical testing. Allele origin: germline.

Women's Health and Genetics/Laboratory Corporation of America, LabCorp
Classification: Likely benign. Last evaluated: 2025-12-16. Review status: criteria provided, single submitter. Criteria: LabCorp Variant Classification Summary - May 2015. Collection method: clinical testing. Allele origin: germline.
Comment: Variant summary: PMS2 c.595C>T (p.Arg199Cys) results in a non-conservative amino acid change in the encoded protein sequence. Algorithms developed to predict the effect of missense changes on protein structure and function all suggest that this variant is likely to be disruptive. The variant allele was found at a frequency of 3e-05 in 1613616 control chromosomes, predominantly at a frequency of 0.00032 within the Latino subpopulation in the gnomAD database. The observed variant frequency within Latino control individuals in the gnomAD database exceeds the estimated maximal expected allele frequency for disease-causing variants in PMS2. c.595C>T has been observed in individuals affected with colorectal cancer, breast cancer, or Lynch syndrome-associated cancer and/or polyps, without strong evidence for causality (e.g. Yurgelun_2015, Tung_2015, Xu_2023). These reports do not provide unequivocal conclusions about association of the variant with Hereditary Nonpolyposis Colorectal Cancer. To our knowledge, no experimental evidence demonstrating an impact on protein function has been reported. The following publications have been ascertained in the context of this evaluation (PMID: 25186627, 37854294, 25980754, 36243179). ClinVar contains an entry for this variant (Variation ID: 187514). Based on the evidence outlined above, the variant was classified as likely benign.

GeneDx
Classification: Uncertain significance. Last evaluated: 2025-03-28. Review status: criteria provided, single submitter. Criteria: GeneDx Variant Classification Process June 2021. Collection method: clinical testing. Allele origin: germline. Affected: yes.
Comment: In silico analysis supports that this missense variant has a deleterious effect on protein structure/function; Observed in individuals with breast cancer or a Lynch syndrome-associated cancer and/or polyps (PMID: 33471991, 25186627, 25980754); This variant is associated with the following publications: (PMID: 29570743, 25980754, 25589618, 25186627, 29887214, 33471991, 11574484, 36243179)

Department of Pathology and Laboratory Medicine, Sinai Health System
Classification: Uncertain significance for Lynch syndrome 4; Mismatch repair cancer syndrome 4. Last evaluated: 2025-01-13. Review status: criteria provided, single submitter. Criteria: ACMG Guidelines, 2015. Collection method: clinical testing. Allele origin: germline.

ARUP Laboratories, Molecular Genetics and Genomics, ARUP Laboratories
Classification: Uncertain significance. Last evaluated: 2024-12-31. Review status: criteria provided, single submitter. Criteria: ARUP Molecular Germline Variant Investigation Process 2024. Collection method: clinical testing. Allele origin: germline.
Comment: The PMS2 c.595C>T; p.Arg199Cys variant (rs372297364, ClinVar Variation ID: 187514) is reported in the literature in one individual affected with breast cancer (Tung 2015) and one individual suspected of Lynch syndrome (Yurgelun 2015). This variant is also reported in one healthy control (Okawa 2023). This variant is found in the general population with an overall allele frequency of 0.003% (9/282,888 alleles, including 1 homozygote) in the Genome Aggregation Database (v2.1.1). Computational analyses predict that this variant is deleterious (REVEL: 0.781). Due to limited information, the clinical significance of this variant is uncertain at this time. References: Okawa Y et al. Hereditary cancer variants and homologous recombination deficiency in biliary tract cancer. J Hepatol. 2023 Feb;78(2):333-342. PMID: 36243179. Tung N et al. Frequency of mutations in individuals with breast cancer referred for BRCA1 and BRCA2 testing using next-generation sequencing with a 25-gene panel. Cancer. 2015 Jan 1;121(1):25-33. PMID: 25186627. Yurgelun MB et al. Identification of a Variety of Mutations in Cancer Predisposition Genes in Patients With Suspected Lynch Syndrome. Gastroenterology. 2015 Sep;149(3):604-13.e20. PMID: 25980754.

Molecular Pathology, Peter Maccallum Cancer Centre
Classification: Uncertain significance for Lynch syndrome 4. Last evaluated: 2024-12-30. Review status: criteria provided, single submitter. Criteria: ACMG Guidelines, 2015. Collection method: clinical testing. Allele origin: germline. Inheritance: Autosomal dominant inheritance.

Ambry Genetics
Classification: Uncertain significance for Hereditary cancer-predisposing syndrome. Last evaluated: 2024-11-13. Review status: criteria provided, single submitter. Criteria: Ambry Variant Classification Scheme 2023. Collection method: clinical testing. Allele origin: germline.
Comment: The p.R199C variant (also known as c.595C>T), located in coding exon 6 of the PMS2 gene, results from a C to T substitution at nucleotide position 595. The arginine at codon 199 is replaced by cysteine, an amino acid with highly dissimilar properties. This alteration has been detected in 1/1260 individuals with a history of Lynch syndrome-associated cancer and/or polyps (Yurgelun MB et al. Gastroenterology. 2015 Sep;149:604-13.e20). This amino acid position is highly conserved in available vertebrate species. In addition, this alteration is predicted to be deleterious by in silico analysis. Since supporting evidence is limited at this time, the clinical significance of this alteration remains unclear.

All of Us Research Program, National Institutes of Health
Classification: Uncertain significance for Lynch syndrome. Last evaluated: 2024-09-23. Review status: criteria provided, single submitter. Criteria: ACMG Guidelines, 2015. Collection method: clinical testing. Allele origin: germline. Inheritance: Autosomal dominant inheritance. Observed: 11 variant alleles, 11 heterozygotes.
Comment: This missense variant replaces arginine with cysteine at codon 199 of the PMS2 protein. Computational prediction suggests that this variant may have deleterious impact on protein structure and function (internally defined REVEL score threshold >= 0.7, PMID: 27666373). To our knowledge, functional studies have not been reported for this variant. This variant has been reported in an individual affected with Lynch syndrome-associated cancer and/or polyps (PMID: 25980754) and in individuals affected with breast cancer (PMID: 25186627, 33471991). This variant has been identified in 9/282888 chromosomes in the general population by the Genome Aggregation Database (gnomAD). The available evidence is insufficient to determine the role of this variant in disease conclusively. Therefore, this variant is classified as a Variant of Uncertain Significance.

This study involves interpretation of variants in research participants for the purpose of population health screening. Participant phenotype was not available at the time of variant classification. Additional details can be found in publication PMID: 35346344, PMCID: PMC8962531